The following is an entry in ClinVar:

NM_014908.4(DOLK):c.147C>G (p.Leu49=)

Gene: DOLK (dolichol kinase; minus strand). Cytogenetic location: 9q34.11.
Variant type: single nucleotide variant.
Coding change: c.147C>G on transcript NM_014908.4 (MANE Select); coding-DNA position 147, C replaced by G.
Protein change: p.Leu49=; no amino-acid change (leucine 49 retained).
Molecular consequence: synonymous variant.
Genome position (GRCh38, 1-based): chr9:128,947,157, G>C on the plus strand (C>G on the coding strand, the complement: DOLK is on the minus strand). VCF-style: chr9-128947157-G-C. GRCh37 (hg19) VCF-style: chr9-131709436-G-C.
Identifiers: ClinVar variation 508853 (VCV000508853.2), dbSNP rs1554826858, ClinGen allele CA467491536.

ClinVar aggregate classification (germline): Likely benign. Review status: criteria provided, multiple submitters, no conflicts (2 of 4 stars). 2 submissions from 2 submitters: Likely benign (2). Last evaluated 2025-08-28.

Conditions:
Cardiovascular phenotype. Identifiers: MedGen CN230736.

Allele frequency attached by ClinVar (database versions not stated): gnomAD 0.00001.

Submissions (2):

Ambry Genetics
Classification: Likely benign for Cardiovascular phenotype. Last evaluated: 2025-08-28. Review status: criteria provided, single submitter. Criteria: Ambry Variant Classification Scheme 2023. Collection method: clinical testing. Allele origin: germline.

GeneDx
Classification: Likely benign. Last evaluated: 2017-04-12. Review status: criteria provided, single submitter. Criteria: GeneDx Variant Classification (06012015). Collection method: clinical testing. Allele origin: germline. Affected: yes.
Comment: This variant is considered likely benign or benign based on one or more of the following criteria: it is a conservative change, it occurs at a poorly conserved position in the protein, it is predicted to be benign by multiple in silico algorithms, and/or has population frequency not consistent with disease.